The following is an entry in ClinVar:

NM_172107.4(KCNQ2):c.2429C>G (p.Ser810Cys)

Gene: KCNQ2 (potassium voltage-gated channel subfamily Q member 2; minus strand). Cytogenetic location: 20q13.33.
Variant type: single nucleotide variant.
Coding change: c.2429C>G on transcript NM_172107.4 (MANE Select); coding-DNA position 2429, C replaced by G.
Protein change: p.Ser810Cys; replaces serine 810 with cysteine.
Molecular consequence: missense variant.
Genome position (GRCh38, 1-based): chr20:63,406,834, G>C on the plus strand (C>G on the coding strand, the complement: KCNQ2 is on the minus strand). VCF-style: chr20-63406834-G-C. GRCh37 (hg19) VCF-style: chr20-62038187-G-C.
Other names: c.2375C>G, p.Ser792Cys (NM_172106.3); c.2336C>G, p.Ser779Cys (NM_172108.5); c.2483C>G, p.Ser828Cys (NM_001382235.1); c.2372C>G, p.Ser791Cys (NM_001439003.1); c.2342C>G, p.Ser781Cys (NM_001439004.1); c.2345C>G, p.Ser782Cys (NM_004518.6); short protein forms S779C, S781C, S782C, S791C, S792C, S810C, S828C.
Identifiers: ClinVar variation 4532328 (VCV004532328.1).
Genomic context (GRCh38, chr20:63,406,834, plus strand): 5'-ACTTTGGCACAAGGCGCCACGGCCGCGTAGCAGCTGTTGAGAGCATCCAGGTTCTCCTTG[G>C]ACTGGGAGATGCTGAAGCCGCTGAAGGAACGCTCCAGCTCCTCGTGGTCCACGGACGGGA-3'
Protein context (NP_742105.1, residues 800-820): RSFSGFSISQ[Ser810Cys]KENLDALNSC

ClinVar aggregate classification (germline): Uncertain significance (1 of 4 stars; one submission).

Submission:

GeneDx
Classification: Uncertain significance. Last evaluated: 2025-05-25. Review status: criteria provided, single submitter. Criteria: GeneDx Variant Classification Process June 2021. Collection method: clinical testing. Allele origin: germline. Affected: yes.
Comment: Not observed at significant frequency in large population cohorts (gnomAD); In silico analysis suggests that this missense variant does not alter protein structure/function; This substitution is predicted to be within the C-terminal cytoplasmic domain; Has not been previously published as pathogenic or benign to our knowledge